The following is an entry in ClinVar:

ClinVar aggregate classification (germline): Uncertain significance (1 of 4 stars; one submission).

gnomAD v4.1: 2 of 1,211,833 alleles (0.00017%); highest among the groups gnomAD compares: Non-Finnish European, 0.00022%; no homozygotes.

Submission:

GeneDx
Classification: Uncertain significance. Last evaluated: 2026-05-19. Review status: criteria provided, single submitter. Criteria: GeneDx Variant Classification Process June 2021. Collection method: clinical testing. Allele origin: germline.
Comment: Not observed at significant frequency in large population cohorts (gnomAD); In silico analysis supports that this missense variant has a deleterious effect on protein structure/function; Has not been previously published as pathogenic or benign to our knowledge

NM_003410.4(ZFX):c.1643A>G (p.His548Arg)

Gene: ZFX (zinc finger protein X-linked; plus strand). Cytogenetic location: Xp22.11.
Variant type: single nucleotide variant.
Coding change: c.1643A>G on transcript NM_003410.4 (MANE Select); coding-DNA position 1643, A replaced by G.
Protein change: p.His548Arg; replaces histidine 548 with arginine.
Molecular consequence: missense variant. On other transcripts: 3 prime UTR variant (1).
Genome position (GRCh38, 1-based): chrX:24,210,601, A>G. VCF-style: chrX-24210601-A-G. GRCh37 (hg19) VCF-style: chrX-24228718-A-G.
Other names: c.1643A>G, p.His548Arg (NM_001178084.2, NM_001178085.1); c.956A>G, p.His319Arg (NM_001178086.2); c.*403A>G (NM_001178095.2); c.1760A>G, p.His587Arg (NM_001330327.2); short protein forms H319R, H548R, H587R.
Identifiers: ClinVar variation 4685434 (VCV004685434.2).